The following is an entry in ClinVar:

NM_000257.4(MYH7):c.1640C>A (p.Thr547Asn)

Gene: MYH7 (myosin heavy chain 7; minus strand). Cytogenetic location: 14q11.2.
Variant type: single nucleotide variant.
Coding change: c.1640C>A on transcript NM_000257.4 (MANE Select); coding-DNA position 1640, C replaced by A.
Protein change: p.Thr547Asn; replaces threonine 547 with asparagine.
Molecular consequence: missense variant.
Genome position (GRCh38, 1-based): chr14:23,427,833, G>T on the plus strand (C>A on the coding strand, the complement: MYH7 is on the minus strand). VCF-style: chr14-23427833-G-T. GRCh37 (hg19) VCF-style: chr14-23897042-G-T.
Other names: c.1640C>A (NM_000257.3); short protein forms T547N.
Identifiers: ClinVar variation 228900 (VCV000228900.12), dbSNP rs876657878, ClinGen allele CA10576959.
Genomic context (GRCh38, chr14:23,427,833, plus strand): 5'-CGTGGCTTCTGGAAGTTGGCGGATTTGCCCAGGTGGTTGTCAAACAGCTTGGCCTTGAAG[G>T]TCATGTCGGTGGCCTTGGGGAACATGCACTCCTCTTCCAGGATGGACATGATGCCCATGG-3'
Protein context (NP_000248.2, residues 537-557): ECMFPKATDM[Thr547Asn]FKAKLFDNHL

ClinVar aggregate classification (germline): Conflicting classifications of pathogenicity. Review status: criteria provided, conflicting classifications (1 of 4 stars). 4 submissions from 4 submitters: Likely pathogenic (1); Uncertain significance (3). Last evaluated 2024-08-27.

Conditions:
Hypertrophic cardiomyopathy. Also called: HYPERTROPHIC MYOCARDIOPATHY. Identifiers: Orphanet 217569, MedGen C0007194, MeSH D002312, MONDO:0005045, HP:0001639.

Submissions (4):

GeneDx
Classification: Likely pathogenic. Last evaluated: 2024-08-27. Review status: criteria provided, single submitter. Criteria: GeneDx Variant Classification Process June 2021. Collection method: clinical testing. Allele origin: germline. Affected: yes.
Comment: Reported in the published literature in a patient referred for genetic testing for cardiomyopathy (PMID: 37652022); In silico analysis indicates that this missense variant does not alter protein structure/function; Not observed at significant frequency in large population cohorts (gnomAD); This variant is associated with the following publications: (PMID: 27532257, 37652022)

Clinical Genetics Laboratory, Skane University Hospital Lund
Classification: Uncertain significance. Last evaluated: 2022-05-27. Review status: criteria provided, single submitter. Criteria: ACMG Guidelines, 2015. Collection method: clinical testing. Allele origin: germline. Affected: yes.

Labcorp Genetics (formerly Invitae), Labcorp
Classification: Uncertain significance for Hypertrophic cardiomyopathy. Last evaluated: 2022-03-28. Review status: criteria provided, single submitter. Criteria: Invitae Variant Classification Sherloc (09022015). Collection method: clinical testing. Allele origin: germline.
Comment: In summary, the available evidence is currently insufficient to determine the role of this variant in disease. Therefore, it has been classified as a Variant of Uncertain Significance. This variant is found within a region of MYH7 between codons 181 and 937 that contains the majority of the myosin head domain. Missense variants in this region have been shown to be significantly overrepresented in individuals with hypertrophic cardiomyopathy (PMID: 27532257). Algorithms developed to predict the effect of missense changes on protein structure and function (SIFT, PolyPhen-2, Align-GVGD) all suggest that this variant is likely to be disruptive. ClinVar contains an entry for this variant (Variation ID: 228900). This variant has not been reported in the literature in individuals affected with MYH7-related conditions. This variant is not present in population databases (gnomAD no frequency). This sequence change replaces threonine, which is neutral and polar, with asparagine, which is neutral and polar, at codon 547 of the MYH7 protein (p.Thr547Asn).

Laboratory for Molecular Medicine, Mass General Brigham Personalized Medicine
Classification: Uncertain significance. Last evaluated: 2015-07-29. Review status: criteria provided, single submitter. Criteria: LMM Criteria. Collection method: clinical testing. Allele origin: germline. Observed: 1 variant allele.
Comment: Variant classified as Uncertain Significance - Favor Pathogenic. The p.Thr547Asn variant in MYH7 has not been previously reported in individuals with cardiomyop athy and was absent from large population studies. This variant was predicted to be pathogenic using a computational tool clinically validated by our laboratory . This tool's pathogenic prediction is estimated to be correct 94% of the time ( Jordan 2011). In summary, while there is some suspicion for a pathogenic role, t he clinical significance of the p.Thr547Asn variant is uncertain.

Literature cited by the submitters: PubMed 27532257 (cited by Labcorp Genetics (formerly Invitae), Labcorp).